The following is an entry in ClinVar:

ClinVar aggregate classification (germline): Uncertain significance (1 of 4 stars; one submission).

Conditions:
Hereditary cancer-predisposing syndrome. Also called: Neoplastic Syndromes, Hereditary; Tumor predisposition; Hereditary Cancer Syndrome; Hereditary neoplastic syndrome. Identifiers: Orphanet 140162, MedGen C0027672, MeSH D009386, MONDO:0015356.

Submission:

Ambry Genetics
Classification: Uncertain significance for Hereditary cancer-predisposing syndrome. Last evaluated: 2024-12-08. Review status: criteria provided, single submitter. Criteria: Ambry Variant Classification Scheme 2023. Collection method: clinical testing. Allele origin: germline.
Comment: The p.I1108T variant (also known as c.3323T>C), located in coding exon 20 of the PTCH1 gene, results from a T to C substitution at nucleotide position 3323. The isoleucine at codon 1108 is replaced by threonine, an amino acid with similar properties. This amino acid position is conserved. In addition, the in silico prediction for this alteration is inconclusive. Based on the available evidence, the clinical significance of this variant remains unclear.

NM_000264.5(PTCH1):c.3323T>C (p.Ile1108Thr)

Gene: PTCH1 (patched 1; minus strand). Cytogenetic location: 9q22.32.
Variant type: single nucleotide variant.
Coding change: c.3323T>C on transcript NM_000264.5 (MANE Select); coding-DNA position 3323, T replaced by C.
Protein change: p.Ile1108Thr; replaces isoleucine 1108 with threonine.
Molecular consequence: missense variant. On other transcripts: non-coding transcript variant (1).
Genome position (GRCh38, 1-based): chr9:95,453,604, A>G on the plus strand (T>C on the coding strand, the complement: PTCH1 is on the minus strand). VCF-style: chr9-95453604-A-G. GRCh37 (hg19) VCF-style: chr9-98215886-A-G.
Other names: c.3125T>C, p.Ile1042Thr (NM_001083602.3); c.3320T>C, p.Ile1107Thr (NM_001083603.3); c.2870T>C, p.Ile957Thr (NM_001083604.3, NM_001083605.3, NM_001083606.3 and 1 more transcripts); c.3167T>C, p.Ile1056Thr (NM_001354918.2); short protein forms I1042T, I1107T, I1056T, I1108T, I957T.
Identifiers: ClinVar variation 3427346 (VCV003427346.1).